The following continues an entry in ClinVar:

NM_000030.3(AGXT):c.731T>C (p.Ile244Thr)

Gene: AGXT. ClinVar aggregate classification (germline): Pathogenic. Pathogenic (13).

Submissions 12 to 17 of 17:

Women's Health and Genetics/Laboratory Corporation of America, LabCorp
Classification: Pathogenic for Primary hyperoxaluria. Last evaluated: 2017-05-07. Review status: criteria provided, single submitter. Criteria: LabCorp Variant Classification Summary - May 2015. Collection method: clinical testing. Allele origin: germline.
Comment: Variant summary: The AGXT c.731T>C (p.Ile244Thr) variant involves the alteration of a conserved nucleotide and 5/5 in silico tools predict a damaging outcome for this variant. This variant was found in 4/121328 control chromosomes at a frequency of 0.000033, which does not exceed the estimated maximal expected allele frequency of a pathogenic AGXT variant (0.0023717). Multiple publications have cited the variant in affected indiviudals and has been implicated to be a Spain founder mutation. As would be expected of a founder effect, other polymorphisms and regional microsatellites within the AGXT gene are shared in this founder haplotype and have been reported to further modify the effect of this variant. Functional studies have shown that the variant alone acts comparable to wild type enzymatic activity (Santana_2003 and Lumb_2000), however, in cis with another variant, in particular, P11L, the enzymatic activity is loss. Rumsby_2004 found that homozygous individuals had limited enzymatic activity, although it is unclear whether the commonly found P11L was found in cis with these individuals. Furthermore, Rumsby_2004, citing the study by Santana_2003, states that c.731T>C mutation has approximately 50% of normal activity when expressed with Pro11 but less than 5% of activity when expressed with Leu11. In addition, multiple clinical diagnostic laboratories/reputable databases classified this variant as pathogenic. Taken together, this variant is classified as pathogenic, but should be noted that the variant of interest seems to be influenced by particular variants observed in cis.

Clinical Genetics Service, Universitary Hospital 12 de Octubre
Classification: Pathogenic for Primary hyperoxaluria, type I. Review status: criteria provided, single submitter. Criteria: ACMG Guidelines, 2015. Collection method: clinical testing. Allele origin: maternal. Affected: yes.

Yale Center for Mendelian Genomics, Yale University
Classification: Likely pathogenic for Nephrolithiasis; Nephrocalcinosis. Last evaluated: 2017-09-08. Review status: no assertion criteria provided. Collection method: literature only. Allele origin: germline. Affected: yes. Observed: 1 homozygote. Not counted in ClinVar's aggregate classification.

Clinical Biochemistry Laboratory, Health Services Laboratory
Classification: Pathogenic for Primary hyperoxaluria, type I. Last evaluated: 2014-11-27. Review status: no assertion criteria provided. Collection method: in vitro. Allele origin: germline. Affected: yes. Not counted in ClinVar's aggregate classification.

OMIM
Classification: Pathogenic for HYPEROXALURIA, PRIMARY, TYPE I. Last evaluated: 2013-01-25. Review status: no assertion criteria provided. Collection method: literature only. Allele origin: germline. Not counted in ClinVar's aggregate classification.

GeneReviews
No classification provided. Condition: Primary hyperoxaluria, type I. Review status: no classification provided. Collection method: literature only. Allele origin: germline. Affected: yes. Not counted in ClinVar's aggregate classification.

Literature cited by the submitters: PubMed 9192270 (cited by 6 submitters); PubMed 23229545 (cited by 5 submitters); PubMed 20016466 (cited by Natera, Inc.); PubMed 10960483 (cited by 4 submitters); PubMed 11156702 (cited by Rare Kidney Stone Consortium and the Mayo Clinic Hyperoxaluria Center, Mayo Clinic); PubMed 12777626 (cited by 4 submitters); PubMed 18782763 (cited by Rare Kidney Stone Consortium and the Mayo Clinic Hyperoxaluria Center, Mayo Clinic); PubMed 23597595 (cited by Rare Kidney Stone Consortium and the Mayo Clinic Hyperoxaluria Center, Mayo Clinic); PubMed 24012869 (cited by Rare Kidney Stone Consortium and the Mayo Clinic Hyperoxaluria Center, Mayo Clinic and Myriad Genetics, Inc.); PubMed 24205397 (cited by Rare Kidney Stone Consortium and the Mayo Clinic Hyperoxaluria Center, Mayo Clinic); PubMed 24988064 (cited by Rare Kidney Stone Consortium and the Mayo Clinic Hyperoxaluria Center, Mayo Clinic and Myriad Genetics, Inc.); PubMed 26161999 (cited by Rare Kidney Stone Consortium and the Mayo Clinic Hyperoxaluria Center, Mayo Clinic); PubMed 27135212 (cited by Rare Kidney Stone Consortium and the Mayo Clinic Hyperoxaluria Center, Mayo Clinic); PubMed 28906061 (cited by Rare Kidney Stone Consortium and the Mayo Clinic Hyperoxaluria Center, Mayo Clinic); PubMed 28893421 (cited by Rare Kidney Stone Consortium and the Mayo Clinic Hyperoxaluria Center, Mayo Clinic and Yale Center for Mendelian Genomics, Yale University); PubMed 29456205 (cited by Rare Kidney Stone Consortium and the Mayo Clinic Hyperoxaluria Center, Mayo Clinic); PubMed 31589614 (cited by Rare Kidney Stone Consortium and the Mayo Clinic Hyperoxaluria Center, Mayo Clinic); PubMed 31905342 (cited by Rare Kidney Stone Consortium and the Mayo Clinic Hyperoxaluria Center, Mayo Clinic); PubMed 34082749 (cited by Rare Kidney Stone Consortium and the Mayo Clinic Hyperoxaluria Center, Mayo Clinic); PubMed 35661454 (cited by Rare Kidney Stone Consortium and the Mayo Clinic Hyperoxaluria Center, Mayo Clinic); PubMed 35812297 (cited by Rare Kidney Stone Consortium and the Mayo Clinic Hyperoxaluria Center, Mayo Clinic); PubMed 36151119 (cited by Rare Kidney Stone Consortium and the Mayo Clinic Hyperoxaluria Center, Mayo Clinic); PubMed 37143464 (cited by Rare Kidney Stone Consortium and the Mayo Clinic Hyperoxaluria Center, Mayo Clinic); PubMed 38445424 (cited by Rare Kidney Stone Consortium and the Mayo Clinic Hyperoxaluria Center, Mayo Clinic); PubMed 36938085 (cited by Rare Kidney Stone Consortium and the Mayo Clinic Hyperoxaluria Center, Mayo Clinic); PubMed 38547852 (cited by Rare Kidney Stone Consortium and the Mayo Clinic Hyperoxaluria Center, Mayo Clinic); PubMed 38972501 (cited by Rare Kidney Stone Consortium and the Mayo Clinic Hyperoxaluria Center, Mayo Clinic); PubMed 38523675 (cited by Rare Kidney Stone Consortium and the Mayo Clinic Hyperoxaluria Center, Mayo Clinic); PubMed 38868576 (cited by Rare Kidney Stone Consortium and the Mayo Clinic Hyperoxaluria Center, Mayo Clinic); PubMed 38657121 (cited by Rare Kidney Stone Consortium and the Mayo Clinic Hyperoxaluria Center, Mayo Clinic); PubMed 40794449 (cited by Rare Kidney Stone Consortium and the Mayo Clinic Hyperoxaluria Center, Mayo Clinic); PubMed 10541294 (cited by Myriad Genetics, Inc.); PubMed 16912707 (cited by Myriad Genetics, Inc.); PubMed 15327387 (cited by Women's Health and Genetics/Laboratory Corporation of America, LabCorp); PubMed 17460142 (cited by Women's Health and Genetics/Laboratory Corporation of America, LabCorp); NCBI Bookshelf NBK1283 (cited by GeneReviews).